The following is an entry in ClinVar:

NM_005751.5(AKAP9):c.576+5G>A

Gene: AKAP9 (A-kinase anchoring protein 9; plus strand). Cytogenetic location: 7q21.2.
Variant type: single nucleotide variant.
Coding change: c.576+5G>A on transcript NM_005751.5 (MANE Select); 5 bases into the intron after coding-DNA position 576, G replaced by A.
Molecular consequence: intron variant.
Genome position (GRCh38, 1-based): chr7:91,993,060, G>A. VCF-style: chr7-91993060-G-A. GRCh37 (hg19) VCF-style: chr7-91622374-G-A.
Other names: c.576+5G>A (NM_147185.3).
Identifiers: ClinVar variation 1749482 (VCV001749482.8), dbSNP rs376631476, ClinGen allele CA161901844.

ClinVar aggregate classification (germline): Uncertain significance. Review status: criteria provided, multiple submitters, no conflicts (2 of 4 stars). 3 submissions from 3 submitters: Uncertain significance (3). Last evaluated 2026-03-22.

Conditions:
Cardiovascular phenotype. Identifiers: MedGen CN230736.
Long QT syndrome (LQTS). Identifiers: MedGen C0023976, MeSH D008133, MONDO:0002442. Disease mechanism: loss of function. Inheritance: Various modes of inheritance.
Long QT syndrome 11 (LQT11). Identifiers: Orphanet 101016, Orphanet 768, MedGen C2678483, MONDO:0012738, OMIM 611820.

Allele frequency attached by ClinVar (database versions not stated): ESP Exome Variant Server 0.00015.

Submissions (3):

Clinical Genomics Laboratory, Washington University in St. Louis
Classification: Uncertain significance for Long QT syndrome 11. Last evaluated: 2026-03-22. Review status: criteria provided, single submitter. Criteria: ACMG Guidelines, 2015. Collection method: clinical testing. Allele origin: germline.
Comment: An AKAP9 c.576+5G>A variant was identified in a heterozygous state. This intronic variant occurs five base pairs from the exon/intron boundary and to our knowledge, has not been reported in the medical literature. It occurs in 14/1,613,798 alleles in the general population indicating it is not a common variant. Computational predictors indicate that the variant has no impact on splicing, evidence that this variant does not have a damaging effect on AKAP9 function. Due to limited information, the clinical significance of this variant is uncertain.

Ambry Genetics
Classification: Uncertain significance for Cardiovascular phenotype. Last evaluated: 2025-08-22. Review status: criteria provided, single submitter. Criteria: Ambry Variant Classification Scheme 2023. Collection method: clinical testing. Allele origin: germline.
Comment: The c.576+5G>A intronic variant results from a G to A substitution 5 nucleotides after coding exon 5 in the AKAP9 gene. This nucleotide position is not well conserved in available vertebrate species. In silico splice site analysis predicts that this alteration will not have any significant effect on splicing. The evidence for this gene-disease relationship is limited; therefore, the clinical significance of this alteration is unclear.

Labcorp Genetics (formerly Invitae), Labcorp
Classification: Uncertain significance for Long QT syndrome. Last evaluated: 2022-12-24. Review status: criteria provided, single submitter. Criteria: Invitae Variant Classification Sherloc (09022015). Collection method: clinical testing. Allele origin: germline.
Comment: This sequence change falls in intron 5 of the AKAP9 gene. It does not directly change the encoded amino acid sequence of the AKAP9 protein. It affects a nucleotide within the consensus splice site. This variant is present in population databases (rs376631476, gnomAD 0.01%). This variant has not been reported in the literature in individuals affected with AKAP9-related conditions. ClinVar contains an entry for this variant (Variation ID: 1749482). Variants that disrupt the consensus splice site are a relatively common cause of aberrant splicing (PMID: 17576681, 9536098). Algorithms developed to predict the effect of sequence changes on RNA splicing suggest that this variant is not likely to affect RNA splicing. In summary, the available evidence is currently insufficient to determine the role of this variant in disease. Therefore, it has been classified as a Variant of Uncertain Significance.

Literature cited by the submitters: PubMed 17576681 (cited by Labcorp Genetics (formerly Invitae), Labcorp); PubMed 9536098 (cited by Labcorp Genetics (formerly Invitae), Labcorp).